The following is an entry in ClinVar:

NM_001379500.1(COL18A1):c.873G>A (p.Thr291=)

Gene: COL18A1 (collagen type XVIII alpha 1 chain; plus strand). Cytogenetic location: 21q22.3.
Variant type: single nucleotide variant.
Coding change: c.873G>A on transcript NM_001379500.1 (MANE Select); coding-DNA position 873, G replaced by A.
Protein change: p.Thr291=; no amino-acid change (threonine 291 retained).
Molecular consequence: synonymous variant.
Genome position (GRCh38, 1-based): chr21:45,476,425, G>A. VCF-style: chr21-45476425-G-A. GRCh37 (hg19) VCF-style: chr21-46896339-G-A.
Other names: NM_130445.2:c.873G>A; c.1413G>A, p.Thr471= (NM_030582.4); c.2118G>A, p.Thr706= (NM_130444.3); c.1413G>A (NM_030582.3).
Identifiers: ClinVar variation 896515 (VCV000896515.13), dbSNP rs183924183, ClinGen allele CA10065973.

ClinVar aggregate classification (germline): Conflicting classifications of pathogenicity. Review status: criteria provided, conflicting classifications (1 of 4 stars). 4 submissions from 4 submitters: Uncertain significance (1); Likely benign (3). Last evaluated 2025-11-18.

Conditions:
COL18A1-related disorder. Also called: COL18A1-related disorders; COL18A1-related condition.
Knobloch syndrome (KNO). Also called: Myopia retinal detachment encephalocele; RETINAL DETACHMENT AND OCCIPITAL ENCEPHALOCELE. Identifiers: Orphanet 1571, MedGen C1849409, MONDO:0800166.

Allele frequency attached by ClinVar (database versions not stated): ExAC 0.00019; 1000 Genomes Project 30x 0.00047; 1000 Genomes Project 0.00060; ESP Exome Variant Server 0.00008; gnomAD exomes 0.00012 and 0.00018; gnomAD 0.00013 and 0.00015; TOPMed 0.00015.
gnomAD v4.1: 204 of 1,614,114 alleles (0.013%); highest among the groups gnomAD compares: East Asian, 0.047%; no homozygotes.

Submissions (4):

Labcorp Genetics (formerly Invitae), Labcorp
Classification: Likely benign. Last evaluated: 2025-11-18. Review status: criteria provided, single submitter. Criteria: Invitae Variant Classification Sherloc (09022015). Collection method: clinical testing. Allele origin: germline.

PreventionGenetics, part of Exact Sciences
Classification: Likely benign for COL18A1-related condition. Last evaluated: 2025-02-27. Review status: criteria provided, single submitter. Criteria: ACMG Guidelines, 2015. Collection method: clinical testing. Allele origin: germline.
Comment: This variant is classified as likely benign based on ACMG/AMP sequence variant interpretation guidelines (Richards et al. 2015 PMID: 25741868, with internal and published modifications).

Blueprint Genetics
Classification: Likely benign. Last evaluated: 2024-09-23. Review status: criteria provided, single submitter. Criteria: ACMG Guidelines, 2015. Collection method: clinical testing. Allele origin: germline.

Illumina Laboratory Services, Illumina
Classification: Uncertain significance for Knobloch syndrome 1. Last evaluated: 2018-01-13. Review status: criteria provided, single submitter. Criteria: ICSL Variant Classification Criteria 13 December 2019. Collection method: clinical testing. Allele origin: germline.